The following is an entry in ClinVar:

NM_000138.5(FBN1):c.2748G>A (p.Val916=)

Gene: FBN1 (fibrillin 1; minus strand). Cytogenetic location: 15q21.1.
Variant type: single nucleotide variant.
Coding change: c.2748G>A on transcript NM_000138.5 (MANE Select); coding-DNA position 2748, G replaced by A.
Protein change: p.Val916=; no amino-acid change (valine 916 retained).
Molecular consequence: synonymous variant.
Genome position (GRCh38, 1-based): chr15:48,492,567, C>T on the plus strand (G>A on the coding strand, the complement: FBN1 is on the minus strand). VCF-style: chr15-48492567-C-T. GRCh37 (hg19) VCF-style: chr15-48784764-C-T.
Identifiers: ClinVar variation 495578 (VCV000495578.15), dbSNP rs1339922695, ClinGen allele CA490020559.

ClinVar aggregate classification (germline): Likely benign. Review status: criteria provided, multiple submitters, no conflicts (2 of 4 stars). 5 submissions from 5 submitters: Likely benign (5). Last evaluated 2024-09-22.

Conditions:
Marfan syndrome (MFS). Also called: MARFAN SYNDROME, TYPE I; FBN1-Related Marfan Syndrome; Marfan syndrome type 1; Marfan's syndrome; Marfan syndrome, classic. Identifiers: Orphanet 284963, Orphanet 558, MedGen C0024796, MONDO:0007947, OMIM 154700.
Familial thoracic aortic aneurysm and aortic dissection (TAAD). Also called: Thoracic aortic aneurysms and dissections. Identifiers: Orphanet 91387, MedGen C4707243, MONDO:0019625.

Allele frequency attached by ClinVar (database versions not stated): gnomAD exomes 0.00001; TOPMed below 0.00001.
gnomAD v4.1: 15 of 1,605,750 alleles (0.00093%); highest among the groups gnomAD compares: Non-Finnish European, 0.0012%; no homozygotes.

Submissions (5):

Labcorp Genetics (formerly Invitae), Labcorp
Classification: Likely benign for Marfan syndrome; Familial thoracic aortic aneurysm and aortic dissection. Last evaluated: 2024-09-22. Review status: criteria provided, single submitter. Criteria: Invitae Variant Classification Sherloc (09022015). Collection method: clinical testing. Allele origin: germline.

All of Us Research Program, National Institutes of Health
Classification: Likely benign for Marfan syndrome. Last evaluated: 2023-11-20. Review status: criteria provided, single submitter. Criteria: ACMG Guidelines, 2015. Collection method: clinical testing. Allele origin: germline. Inheritance: Autosomal dominant inheritance. Observed: 3 variant alleles, 3 heterozygotes.
Comment: This study involves interpretation of variants in research participants for the purpose of population health screening. Participant phenotype was not available at the time of variant classification. Additional details can be found in publication PMID: 35346344, PMCID: PMC8962531

Ambry Genetics
Classification: Likely benign for Familial thoracic aortic aneurysm and aortic dissection. Last evaluated: 2019-10-25. Review status: criteria provided, single submitter. Criteria: Ambry Variant Classification Scheme 2023. Collection method: clinical testing. Allele origin: germline.

Women's Health and Genetics/Laboratory Corporation of America, LabCorp
Classification: Likely benign. Last evaluated: 2019-08-28. Review status: criteria provided, single submitter. Criteria: LabCorp Variant Classification Summary - May 2015. Collection method: clinical testing. Allele origin: germline.

Color Diagnostics, LLC DBA Color Health
Classification: Likely benign for Familial thoracic aortic aneurysm and aortic dissection. Last evaluated: 2018-10-15. Review status: criteria provided, single submitter. Criteria: ACMG Guidelines, 2015. Collection method: clinical testing. Allele origin: germline.